The following is an entry in ClinVar:

ClinVar aggregate classification (germline): Uncertain significance. Review status: criteria provided, multiple submitters, no conflicts (2 of 4 stars). 3 submissions from 3 submitters: Uncertain significance (3). Last evaluated 2025-04-04.

Conditions:
Inborn genetic diseases. Identifiers: MedGen C0950123, MeSH D030342.
Donnai-Barrow syndrome. Also called: DBS/FOAR SYNDROME; FACIOOCULOACOUSTICORENAL SYNDROME. Identifiers: Orphanet 2143, MedGen C1857277, MONDO:0009104, OMIM 222448.

Allele frequency attached by ClinVar (database versions not stated): gnomAD exomes 0.00001; TOPMed 0.00003; ESP Exome Variant Server 0.00008.
gnomAD v4.1: 3 of 1,614,132 alleles (0.00019%); highest among the groups gnomAD compares: African/African-American, 0.004%; no homozygotes.

Submissions (3):

Ambry Genetics
Classification: Uncertain significance for Inborn genetic diseases. Last evaluated: 2025-04-04. Review status: criteria provided, single submitter. Criteria: Ambry Variant Classification Scheme 2023. Collection method: clinical testing. Allele origin: germline.

Fulgent Genetics
Classification: Uncertain significance for Donnai-Barrow syndrome. Last evaluated: 2024-03-07. Review status: criteria provided, single submitter. Criteria: ACMG Guidelines, 2015. Collection method: clinical testing. Allele origin: germline.

Labcorp Genetics (formerly Invitae), Labcorp
Classification: Uncertain significance. Last evaluated: 2022-01-04. Review status: criteria provided, single submitter. Criteria: Invitae Variant Classification Sherloc (09022015). Collection method: clinical testing. Allele origin: germline.
Comment: This sequence change replaces alanine, which is neutral and non-polar, with valine, which is neutral and non-polar, at codon 2468 of the LRP2 protein (p.Ala2468Val). This variant is present in population databases (rs150323070, gnomAD 0.007%). This variant has not been reported in the literature in individuals affected with LRP2-related conditions. Advanced modeling of protein sequence and biophysical properties (such as structural, functional, and spatial information, amino acid conservation, physicochemical variation, residue mobility, and thermodynamic stability) performed at Invitae indicates that this missense variant is not expected to disrupt LRP2 protein function. In summary, the available evidence is currently insufficient to determine the role of this variant in disease. Therefore, it has been classified as a Variant of Uncertain Significance.

NM_004525.3(LRP2):c.7403C>T (p.Ala2468Val)

Gene: LRP2 (LDL receptor related protein 2; minus strand). Cytogenetic location: 2q31.1.
Variant type: single nucleotide variant.
Coding change: c.7403C>T on transcript NM_004525.3 (MANE Select); coding-DNA position 7403, C replaced by T.
Protein change: p.Ala2468Val; replaces alanine 2468 with valine.
Molecular consequence: missense variant.
Genome position (GRCh38, 1-based): chr2:169,206,176, G>A on the plus strand (C>T on the coding strand, the complement: LRP2 is on the minus strand). VCF-style: chr2-169206176-G-A. GRCh37 (hg19) VCF-style: chr2-170062686-G-A.
Other names: c.7403C>T (NM_004525.2); short protein forms A2468V.
Identifiers: ClinVar variation 1941537 (VCV001941537.4), dbSNP rs150323070, ClinGen allele CA59933573.
Genomic context (GRCh38, chr2:169,206,176, plus strand): 5'-TGGTTGAGGTAGTCACTGTAATAAATTCTTCTAGTAATCCAGTCAAAGGCAATGCCATCA[G>A]CAGTCCCTATACCTGGACACATACAGGCAGACACACACACAAGCACACACAAAGACATTA-3'
Protein context (NP_004516.2, residues 2458-2478): PTVIASGIGT[Ala2468Val]DGIAFDWITR